The following is an entry in ClinVar:

NM_005263.5(GFI1):c.833A>T (p.His278Leu)

Gene: GFI1 (growth factor independent 1 transcriptional repressor; minus strand). Cytogenetic location: 1p22.1.
Variant type: single nucleotide variant.
Coding change: c.833A>T on transcript NM_005263.5 (MANE Select); coding-DNA position 833, A replaced by T.
Protein change: p.His278Leu; replaces histidine 278 with leucine.
Molecular consequence: missense variant.
Genome position (GRCh38, 1-based): chr1:92,480,439, T>A on the plus strand (A>T on the coding strand, the complement: GFI1 is on the minus strand). VCF-style: chr1-92480439-T-A. GRCh37 (hg19) VCF-style: chr1-92945996-T-A.
Other names: c.833A>T, p.His278Leu (NM_001127215.3, NM_001127216.3); short protein forms H278L.
Identifiers: ClinVar variation 3853680 (VCV003853680.1).

ClinVar aggregate classification (germline): Uncertain significance (1 of 4 stars; one submission).

Submission:

Ambry Genetics
Classification: Uncertain significance. Last evaluated: 2025-01-10. Review status: criteria provided, single submitter. Criteria: Ambry Variant Classification Scheme 2023. Collection method: clinical testing. Allele origin: germline.
Comment: The p.H278L variant (also known as c.833A>T), located in coding exon 4 of the GFI1 gene, results from an A to T substitution at nucleotide position 833. The histidine at codon 278 is replaced by leucine, an amino acid with similar properties. This amino acid position is conserved. In addition, this alteration is predicted to be deleterious by in silico analysis. Based on the available evidence, the clinical significance of this variant remains unclear.